The following is an entry in ClinVar:

NM_020297.4(ABCC9):c.1654C>G (p.Leu552Val)

Gene: ABCC9 (ATP binding cassette subfamily C member 9; minus strand). Cytogenetic location: 12p12.1.
Variant type: single nucleotide variant.
Coding change: c.1654C>G on transcript NM_020297.4 (MANE Select); coding-DNA position 1654, C replaced by G.
Protein change: p.Leu552Val; replaces leucine 552 with valine.
Molecular consequence: missense variant.
Genome position (GRCh38, 1-based): chr12:21,895,280, G>C on the plus strand (C>G on the coding strand, the complement: ABCC9 is on the minus strand). VCF-style: chr12-21895280-G-C. GRCh37 (hg19) VCF-style: chr12-22048214-G-C.
Other names: c.1654C>G, p.Leu552Val (NM_001377273.1, NM_005691.4); c.790C>G, p.Leu264Val (NM_001377274.1); short protein forms L552V, L264V.
Identifiers: ClinVar variation 1467222 (VCV001467222.6), dbSNP rs1292869379, ClinGen allele CA384137676.

ClinVar aggregate classification (germline): Uncertain significance (1 of 4 stars; one submission).

Conditions:
Dilated cardiomyopathy 1O (CMD1O). Also called: CARDIOMYOPATHY, DILATED, WITH VENTRICULAR TACHYCARDIA. Identifiers: Orphanet 154, MedGen C1837839, MONDO:0012062, OMIM 608569.

Allele frequency attached by ClinVar (database versions not stated): gnomAD exomes below 0.00001; gnomAD 0.00001; TOPMed 0.00001.
gnomAD v4.1: 7 of 1,613,282 alleles (0.00043%); highest among the groups gnomAD compares: Non-Finnish European, 0.00051%; no homozygotes.

Submission:

Labcorp Genetics (formerly Invitae), Labcorp
Classification: Uncertain significance for Dilated cardiomyopathy 1O. Last evaluated: 2024-07-16. Review status: criteria provided, single submitter. Criteria: Invitae Variant Classification Sherloc (09022015). Collection method: clinical testing. Allele origin: germline.
Comment: This sequence change replaces leucine, which is neutral and non-polar, with valine, which is neutral and non-polar, at codon 552 of the ABCC9 protein (p.Leu552Val). This variant is not present in population databases (gnomAD no frequency). This variant has not been reported in the literature in individuals affected with ABCC9-related conditions. ClinVar contains an entry for this variant (Variation ID: 1467222). Advanced modeling of protein sequence and biophysical properties (such as structural, functional, and spatial information, amino acid conservation, physicochemical variation, residue mobility, and thermodynamic stability) has been performed at Invitae for this missense variant, however the output from this modeling did not meet the statistical confidence thresholds required to predict the impact of this variant on ABCC9 protein function. In summary, the available evidence is currently insufficient to determine the role of this variant in disease. Therefore, it has been classified as a Variant of Uncertain Significance.